The following is an entry in ClinVar:

NM_007129.5(ZIC2):c.1392T>A (p.Ala464=)

Genes: ZIC2 (Zic family zinc finger 2; plus strand), LOC110008580 (Zic family member 2 polyalanine repeat instability region; plus strand). Cytogenetic location: 13q32.3.
Variant type: single nucleotide variant.
Coding change: c.1392T>A on transcript NM_007129.5 (MANE Select); coding-DNA position 1392, T replaced by A.
Protein change: p.Ala464=; no amino-acid change (alanine 464 retained).
Molecular consequence: synonymous variant.
Genome position (GRCh38, 1-based): chr13:99,985,475, T>A. VCF-style: chr13-99985475-T-A. GRCh37 (hg19) VCF-style: chr13-100637729-T-A.
Other names: c.1392T>A (NM_007129.3).
Identifiers: ClinVar variation 1622835 (VCV001622835.10), dbSNP rs921926048, ClinGen allele CA7032997.

ClinVar aggregate classification (germline): Likely benign. Review status: criteria provided, single submitter (1 of 4 stars). 2 submissions from 2 submitters: Likely benign (1). 1 of the submissions does not count toward it. Last evaluated 2025-09-08.

Conditions:
Holoprosencephaly 5 (HPE5). Identifiers: Orphanet 2162, MedGen C1864827, MONDO:0012322, OMIM 609637.
ZIC2-related disorder. Also called: ZIC2-related condition.

gnomAD v4.1: 251 of 1,291,938 alleles (0.019%); highest among the groups gnomAD compares: East Asian, 0.088%; 1 homozygote.

Submissions (2):

Labcorp Genetics (formerly Invitae), Labcorp
Classification: Likely benign for Holoprosencephaly 5. Last evaluated: 2025-09-08. Review status: criteria provided, single submitter. Criteria: Invitae Variant Classification Sherloc (09022015). Collection method: clinical testing. Allele origin: germline.

PreventionGenetics, part of Exact Sciences
Classification: Likely benign for ZIC2-related condition. Last evaluated: 2019-04-25. Review status: no assertion criteria provided. Collection method: clinical testing. Allele origin: germline. Not counted in ClinVar's aggregate classification.
Comment: This variant is classified as likely benign based on ACMG/AMP sequence variant interpretation guidelines (Richards et al. 2015 PMID: 25741868, with internal and published modifications).